The following is an entry in ClinVar:

ClinVar aggregate classification (germline): Uncertain significance. Review status: criteria provided, multiple submitters, no conflicts (2 of 4 stars). 2 submissions from 2 submitters: Uncertain significance (2). Last evaluated 2025-03-07.

Conditions:
Hereditary cancer-predisposing syndrome. Also called: Neoplastic Syndromes, Hereditary; Tumor predisposition; Hereditary Cancer Syndrome; Hereditary neoplastic syndrome. Identifiers: Orphanet 140162, MedGen C0027672, MeSH D009386, MONDO:0015356.
Familial adenomatous polyposis 1 (FAP1). Also called: FAMILIAL ADENOMATOUS POLYPOSIS 1, ATTENUATED; POLYPOSIS, ADENOMATOUS INTESTINAL. Identifiers: MedGen C2713442, MONDO:0021056, OMIM 175100. Disease mechanism: loss of function.

Submissions (2):

Ambry Genetics
Classification: Uncertain significance for Hereditary cancer-predisposing syndrome. Last evaluated: 2025-03-07. Review status: criteria provided, single submitter. Criteria: Ambry Variant Classification Scheme 2023. Collection method: clinical testing. Allele origin: germline.
Comment: The p.N809S variant (also known as c.2426A>G), located in coding exon 15 of the APC gene, results from an A to G substitution at nucleotide position 2426. The asparagine at codon 809 is replaced by serine, an amino acid with highly similar properties. This amino acid position is conserved. In addition, in silico predictors for this gene do not accurately predict pathogenicity. Based on the available evidence, the clinical significance of this variant remains unclear.

Labcorp Genetics (formerly Invitae), Labcorp
Classification: Uncertain significance for Familial adenomatous polyposis 1. Last evaluated: 2024-11-03. Review status: criteria provided, single submitter. Criteria: Invitae Variant Classification Sherloc (09022015). Collection method: clinical testing. Allele origin: germline.
Comment: This sequence change replaces asparagine, which is neutral and polar, with serine, which is neutral and polar, at codon 809 of the APC protein (p.Asn809Ser). This variant is not present in population databases (gnomAD no frequency). This variant has not been reported in the literature in individuals affected with APC-related conditions. Invitae Evidence Modeling of protein sequence and biophysical properties (such as structural, functional, and spatial information, amino acid conservation, physicochemical variation, residue mobility, and thermodynamic stability) indicates that this missense variant is not expected to disrupt APC protein function with a negative predictive value of 95%. In summary, the available evidence is currently insufficient to determine the role of this variant in disease. Therefore, it has been classified as a Variant of Uncertain Significance.

NM_000038.6(APC):c.2426A>G (p.Asn809Ser)

Gene: APC (APC regulator of Wnt signaling pathway; plus strand). Cytogenetic location: 5q22.2.
Variant type: single nucleotide variant.
Coding change: c.2426A>G on transcript NM_000038.6 (MANE Select); coding-DNA position 2426, A replaced by G.
Protein change: p.Asn809Ser; replaces asparagine 809 with serine.
Molecular consequence: missense variant. On other transcripts: non-coding transcript variant (2).
Genome position (GRCh38, 1-based): chr5:112,838,020, A>G. VCF-style: chr5-112838020-A-G. GRCh37 (hg19) VCF-style: chr5-112173717-A-G.
Other names: c.2426A>G, p.Asn809Ser (NM_001127510.3, NM_001354895.2, NM_001407450.1); c.2372A>G, p.Asn791Ser (NM_001127511.3); c.2480A>G, p.Asn827Ser (NM_001354896.2, NM_001407447.1, NM_001407448.1 and 1 more transcripts); c.2456A>G, p.Asn819Ser (NM_001354897.2); c.2351A>G, p.Asn784Ser (NM_001354898.2); c.2342A>G, p.Asn781Ser (NM_001354899.2); c.2303A>G, p.Asn768Ser (NM_001354900.2); c.2249A>G, p.Asn750Ser (NM_001354901.2, NM_001407453.1); and 12 more; short protein forms N425S, N526S, N708S, N718S, N781S, N791S, N837S, N819S.
Identifiers: ClinVar variation 3635427 (VCV003635427.3).